The following is an entry in ClinVar:

ClinVar aggregate classification (germline): Conflicting classifications of pathogenicity. Review status: criteria provided, conflicting classifications (1 of 4 stars). 2 submissions from 2 submitters: Uncertain significance (1); Likely benign (1). Last evaluated 2026-01-19.

Conditions:
Hereditary nonpolyposis colorectal neoplasms. Identifiers: MedGen C0009405, MeSH D003123.
Hereditary cancer-predisposing syndrome. Also called: Hereditary neoplastic syndrome; Tumor predisposition; Hereditary Cancer Syndrome; Neoplastic Syndromes, Hereditary. Identifiers: Orphanet 140162, MedGen C0027672, MeSH D009386, MONDO:0015356.

Submissions (2):

Labcorp Genetics (formerly Invitae), Labcorp
Classification: Likely benign for Hereditary nonpolyposis colorectal neoplasms. Last evaluated: 2026-01-19. Review status: criteria provided, single submitter. Criteria: Invitae Variant Classification Sherloc (09022015). Collection method: clinical testing. Allele origin: germline.

Ambry Genetics
Classification: Uncertain significance for Hereditary cancer-predisposing syndrome. Last evaluated: 2023-08-14. Review status: criteria provided, single submitter. Criteria: Ambry Variant Classification Scheme 2023. Collection method: clinical testing. Allele origin: germline.
Comment: The p.G219R variant (also known as c.655G>A), located in coding exon 6 of the PMS2 gene, results from a G to A substitution at nucleotide position 655. The glycine at codon 219 is replaced by arginine, an amino acid with dissimilar properties. This alteration was detected in a cohort of 1197 patients with breast cancer who underwent genetic testing. (Abdel-Razeq H et al. Front Oncol, 2022 Mar;12:673094). This amino acid position is highly conserved in available vertebrate species. In addition, this alteration is predicted to be deleterious by in silico analysis. Since supporting evidence is conflicting at this time, the clinical significance of this alteration remains unclear.

Literature cited by the submitters: PubMed 35402282 (cited by Ambry Genetics).

NM_000535.7(PMS2):c.655G>A (p.Gly219Arg)

Gene: PMS2 (PMS1 homolog 2, mismatch repair system component; minus strand). Cytogenetic location: 7p22.1.
Variant type: single nucleotide variant.
Coding change: c.655G>A on transcript NM_000535.7 (MANE Select); coding-DNA position 655, G replaced by A.
Protein change: p.Gly219Arg; replaces glycine 219 with arginine.
Molecular consequence: missense variant. On other transcripts: non-coding transcript variant (1), intron variant (9), 5 prime UTR variant (2).
Genome position (GRCh38, 1-based): chr7:5,999,158, C>T on the plus strand (G>A on the coding strand, the complement: PMS2 is on the minus strand). VCF-style: chr7-5999158-C-T. GRCh37 (hg19) VCF-style: chr7-6038789-C-T.
Other names: c.346G>A, p.Gly116Arg (NM_001322015.2, NM_001406875.1, NM_001406877.1 and 6 more transcripts); c.679G>A, p.Gly227Arg (NM_001406868.1); c.655G>A, p.Gly219Arg (NM_001406870.1, NM_001406871.1, NM_001406872.1 and 4 more transcripts); c.841G>A, p.Gly281Arg (NM_001406866.1); c.337G>A, p.Gly113Arg (NM_001406876.1, NM_001406883.1, NM_001406901.1 and 4 more transcripts); c.319G>A, p.Gly107Arg (NM_001406885.1); c.250G>A, p.Gly84Arg (NM_001406887.1, NM_001406888.1, NM_001406889.1 and 20 more transcripts); c.132+3295G>A (NM_001406911.1); and 6 more; short protein forms G113R, G281R, G116R, G219R, G227R, G107R, G84R.
Identifiers: ClinVar variation 2586342 (VCV002586342.5), dbSNP rs1064796190, ClinGen allele CA366743909.